The following is an entry in ClinVar:

ClinVar aggregate classification (germline): Uncertain significance. Review status: criteria provided, multiple submitters, no conflicts (2 of 4 stars). 2 submissions from 2 submitters: Uncertain significance (2). Last evaluated 2025-08-14.

Conditions:
Hereditary cancer-predisposing syndrome. Also called: Neoplastic Syndromes, Hereditary; Tumor predisposition; Hereditary Cancer Syndrome; Hereditary neoplastic syndrome. Identifiers: Orphanet 140162, MedGen C0027672, MeSH D009386, MONDO:0015356.

Submissions (2):

Ambry Genetics
Classification: Uncertain significance for Hereditary cancer-predisposing syndrome. Last evaluated: 2025-08-14. Review status: criteria provided, single submitter. Criteria: Ambry Variant Classification Scheme 2023. Collection method: clinical testing. Allele origin: germline.
Comment: The p.M1706V variant (also known as c.5116A>G), located in coding exon 38 of the POLE gene, results from an A to G substitution at nucleotide position 5116. The methionine at codon 1706 is replaced by valine, an amino acid with highly similar properties. This amino acid position is conserved. In addition, this alteration is predicted to be tolerated by in silico analysis. Based on the available evidence, the clinical significance of this variant remains unclear.

Labcorp Genetics (formerly Invitae), Labcorp
Classification: Uncertain significance. Last evaluated: 2024-11-25. Review status: criteria provided, single submitter. Criteria: Invitae Variant Classification Sherloc (09022015). Collection method: clinical testing. Allele origin: germline.
Comment: This sequence change replaces methionine, which is neutral and non-polar, with valine, which is neutral and non-polar, at codon 1706 of the POLE protein (p.Met1706Val). This variant is not present in population databases (gnomAD no frequency). This variant has not been reported in the literature in individuals affected with POLE-related conditions. ClinVar contains an entry for this variant (Variation ID: 1001951). Invitae Evidence Modeling of protein sequence and biophysical properties (such as structural, functional, and spatial information, amino acid conservation, physicochemical variation, residue mobility, and thermodynamic stability) indicates that this missense variant is not expected to disrupt POLE protein function with a negative predictive value of 80%. In summary, the available evidence is currently insufficient to determine the role of this variant in disease. Therefore, it has been classified as a Variant of Uncertain Significance.

NM_006231.4(POLE):c.5116A>G (p.Met1706Val)

Gene: POLE (DNA polymerase epsilon, catalytic subunit; minus strand). Cytogenetic location: 12q24.33.
Variant type: single nucleotide variant.
Coding change: c.5116A>G on transcript NM_006231.4 (MANE Select); coding-DNA position 5116, A replaced by G.
Protein change: p.Met1706Val; replaces methionine 1706 with valine.
Molecular consequence: missense variant.
Genome position (GRCh38, 1-based): chr12:132,642,234, T>C on the plus strand (A>G on the coding strand, the complement: POLE is on the minus strand). VCF-style: chr12-132642234-T-C. GRCh37 (hg19) VCF-style: chr12-133218820-T-C.
Other names: c.5116A>G (NM_006231.2); short protein forms M1706V.
Identifiers: ClinVar variation 1001951 (VCV001001951.9), dbSNP rs1478959461, ClinGen allele CA387376857.
Genomic context (GRCh38, chr12:132,642,234, plus strand): 5'-TACCTGTGGAGTAACAGCCTGAACTGTTGATCTCAACAGTGGCTTGGTCATCGAACTCCA[T>C]GACAAGACAGTTGTCATCAGCCTCCTTTCCACCCAGGTCAGGGCGGGCTGTAGGGGACAG-3'
Protein context (NP_006222.2, residues 1696-1716): GKEADDNCLV[Met1706Val]EFDDQATVEI